The following is an entry in ClinVar:

NM_002470.4(MYH3):c.5695A>G (p.Lys1899Glu)

Gene: MYH3 (myosin heavy chain 3; minus strand). Cytogenetic location: 17p13.1.
Variant type: single nucleotide variant.
Coding change: c.5695A>G on transcript NM_002470.4 (MANE Select); coding-DNA position 5695, A replaced by G.
Protein change: p.Lys1899Glu; replaces lysine 1899 with glutamic acid.
Molecular consequence: missense variant.
Genome position (GRCh38, 1-based): chr17:10,629,698, T>C on the plus strand (A>G on the coding strand, the complement: MYH3 is on the minus strand). VCF-style: chr17-10629698-T-C. GRCh37 (hg19) VCF-style: chr17-10533015-T-C.
Other names: short protein forms K1899E.
Identifiers: ClinVar variation 2647480 (VCV002647480.24), dbSNP rs765090438, ClinGen allele CA8391824.

ClinVar aggregate classification (germline): Uncertain significance (1 of 4 stars; one submission).

Allele frequency attached by ClinVar (database versions not stated): gnomAD exomes below 0.00001; TOPMed below 0.00001; ExAC 0.00001; gnomAD 0.00001.
gnomAD v4.1: 2 of 1,614,070 alleles (0.00012%); highest among the groups gnomAD compares: Non-Finnish European, 0.00017%; no homozygotes.

Submission:

CeGaT Center for Human Genetics Tuebingen
Classification: Uncertain significance. Last evaluated: 2023-09-01. Review status: criteria provided, single submitter. Criteria: CeGaT Center For Human Genetics Tuebingen Variant Classification Criteria Version 2. Collection method: clinical testing. Allele origin: germline. Affected: yes. Observed: 1 variant allele.
Comment: MYH3: PM2